The following is an entry in ClinVar:

Conditions:
Breast-ovarian cancer, familial, susceptibility to, 1 (BROVCA1). Also called: BRCA1 Hereditary Breast and Ovarian Cancer; OVARIAN CANCER, SUSCEPTIBILITY TO. Identifiers: Orphanet 145, MedGen C2676676, MONDO:0011450, OMIM 604370. Disease mechanism: loss of function.

Allele frequency attached by ClinVar (database versions not stated): gnomAD exomes below 0.00001.
gnomAD v4.1: 1 of 1,614,152 alleles (0.000062%); highest among the groups gnomAD compares: Non-Finnish European, 0.000085%; no homozygotes.

Submission:

Brotman Baty Institute, University of Washington
No classification provided (evidence only). Condition: Breast-ovarian cancer, familial 1. Review status: no classification provided. Collection method: in vitro. Allele origin: not applicable. Functional consequence: functionally_normal.
ClinVar note: "not provided" was previously submitted as the classification for the variant. However, the classification appeared to be based only on an observation of functional data so it was converted to no classification on 2025-07-30.

NM_007294.4(BRCA1):c.5368T>A (p.Ser1790Thr)

Gene: BRCA1 (BRCA1 DNA repair associated; minus strand). Cytogenetic location: 17q21.31.
Variant type: single nucleotide variant.
Coding change: c.5368T>A on transcript NM_007294.4 (MANE Select); coding-DNA position 5368, T replaced by A.
Protein change: p.Ser1790Thr; replaces serine 1790 with threonine.
Molecular consequence: missense variant. On other transcripts: non-coding transcript variant (1), intron variant (1).
Genome position (GRCh38, 1-based): chr17:43,049,159, A>T on the plus strand (T>A on the coding strand, the complement: BRCA1 is on the minus strand). VCF-style: chr17-43049159-A-T. GRCh37 (hg19) VCF-style: chr17-41201176-A-T.
Other names: c.2056T>A, p.Ser686Thr (NM_001407986.1, NM_001407990.1, NM_001407991.1 and 11 more transcripts); c.2053T>A, p.Ser685Thr (NM_001408392.1, NM_001408396.1, NM_001408397.1 and 7 more transcripts); c.5155T>A, p.Ser1719Thr (NM_001407571.1, NM_001407904.1, NM_001407906.1 and 12 more transcripts); c.5434T>A, p.Ser1812Thr (NM_001407581.1, NM_001407582.1); c.5431T>A, p.Ser1811Thr (NM_001407583.1, NM_001407585.1, NM_001407587.1 and 1 more transcripts); c.5428T>A, p.Ser1810Thr (NM_001407590.1, NM_001407591.1); c.5368T>A, p.Ser1790Thr (NM_001407593.1, NM_001407594.1, NM_001407596.1 and 5 more transcripts); c.5365T>A, p.Ser1789Thr (NM_001407610.1, NM_001407611.1, NM_001407612.1 and 14 more transcripts); and 73 more; short protein forms S686T, S1790T, S1811T, S1743T, S1493T, S1662T, S1678T, S1701T.
Identifiers: ClinVar variation 865388 (VCV000865388.3), dbSNP rs1567758993, ClinGen allele CA10590734.
Genomic context (GRCh38, chr17:43,049,159, plus strand): 5'-TGACAGGGCACCCAATACTTACTGTGCCAAGGGTGAATGATGAAAGCTCCTTCACCACAG[A>T]AGCACCACACAGCTGTACCATCCATTCCAGTTGATCTAAAATGGACATTTAGATGTAAAA-3'
Protein context (NP_009225.1, residues 1780-1800): LEWMVQLCGA[Ser1790Thr]VVKELSSFTL